The following is an entry in ClinVar:

NM_000245.4(MET):c.1611G>A (p.Gln537=)

Gene: MET (MET proto-oncogene, receptor tyrosine kinase; plus strand). Cytogenetic location: 7q31.2.
Variant type: single nucleotide variant.
Coding change: c.1611G>A on transcript NM_000245.4 (MANE Select); coding-DNA position 1611, G replaced by A.
Protein change: p.Gln537=; no amino-acid change (glutamine 537 retained).
Molecular consequence: synonymous variant.
Genome position (GRCh38, 1-based): chr7:116,740,935, G>A. VCF-style: chr7-116740935-G-A. GRCh37 (hg19) VCF-style: chr7-116380989-G-A.
Other names: c.1611G>A, p.Gln537= (NM_001127500.3, NM_001324401.3); c.321G>A, p.Gln107= (NM_001324402.2).
Identifiers: ClinVar variation 1776405 (VCV001776405.8), dbSNP rs2116835903, ClinGen allele CA457215599.

ClinVar aggregate classification (germline): Benign/Likely benign. Review status: criteria provided, multiple submitters, no conflicts (2 of 4 stars). 3 submissions from 3 submitters: Benign (1); Likely benign (2). Last evaluated 2024-11-07.

Conditions:
Renal cell carcinoma. Identifiers: Orphanet 217071, MedGen C0007134, MeSH D002292, MONDO:0005086, HP:0005584.
Hereditary cancer-predisposing syndrome. Also called: Neoplastic Syndromes, Hereditary; Tumor predisposition; Hereditary Cancer Syndrome; Hereditary neoplastic syndrome. Identifiers: Orphanet 140162, MedGen C0027672, MeSH D009386, MONDO:0015356.
Papillary renal cell carcinoma type 1 (RCCP1). Also called: RENAL CELL CARCINOMA, PAPILLARY, 1, SOMATIC; Renal adenocarcinoma; Renal cell carcinoma 1; Renal cell carcinoma, somatic. Identifiers: Orphanet 47044, MedGen C1336839, OMIM 605074, HP:0011797.

Submissions (3):

Myriad Genetics, Inc.
Classification: Benign for Papillary renal cell carcinoma type 1. Last evaluated: 2024-11-07. Review status: criteria provided, single submitter. Criteria: Myriad Autosomal Dominant, Autosomal Recessive and X-Linked Classification Criteria (2023). Collection method: clinical testing. Allele origin: unknown.
Comment: This variant is considered benign. This variant is a silent/synonymous amino acid change and it is not expected to impact splicing.

Labcorp Genetics (formerly Invitae), Labcorp
Classification: Likely benign for Renal cell carcinoma. Last evaluated: 2024-03-06. Review status: criteria provided, single submitter. Criteria: Invitae Variant Classification Sherloc (09022015). Collection method: clinical testing. Allele origin: germline.

Ambry Genetics
Classification: Likely benign for Hereditary cancer-predisposing syndrome. Last evaluated: 2020-12-07. Review status: criteria provided, single submitter. Criteria: Ambry Variant Classification Scheme 2023. Collection method: clinical testing. Allele origin: germline.